The following is an entry in ClinVar:

NM_000142.5(FGFR3):c.1123G>T (p.Gly375Cys)

Gene: FGFR3 (fibroblast growth factor receptor 3; plus strand). Cytogenetic location: 4p16.3.
Variant type: single nucleotide variant.
Coding change: c.1123G>T on transcript NM_000142.5 (MANE Select); coding-DNA position 1123, G replaced by T.
Protein change: p.Gly375Cys; replaces glycine 375 with cysteine.
Molecular consequence: missense variant. On other transcripts: non-coding transcript variant (1), intron variant (1).
Genome position (GRCh38, 1-based): chr4:1,804,377, G>T. VCF-style: chr4-1804377-G-T. GRCh37 (hg19) VCF-style: chr4-1806104-G-T.
Other names: c.1129G>T, p.Gly377Cys (NM_001163213.2); c.1123G>T, p.Gly375Cys (NM_001354809.2, NM_001354810.2); c.931-447G>T (NM_022965.4); short protein forms G375C, G377C.
Identifiers: ClinVar variation 16330 (VCV000016330.15), dbSNP rs75790268, ClinGen allele CA280219.
Genomic context (GRCh38, chr4:1,804,377, plus strand): 5'-CATGTCTTTGCAGCCGAGGAGGAGCTGGTGGAGGCTGACGAGGCGGGCAGTGTGTATGCA[G>T]GCATCCTCAGCTACGGGGTGGGCTTCTTCCTGTTCATCCTGGTGGTGGCGGCTGTGACGC-3'
Protein context (NP_000133.1, residues 365-385): EADEAGSVYA[Gly375Cys]ILSYGVGFFL

ClinVar aggregate classification (germline): Pathogenic. Review status: criteria provided, multiple submitters, no conflicts (2 of 4 stars). 5 submissions from 4 submitters: Pathogenic (4). 1 of the submissions does not count toward it. Last evaluated 2026-06-23.

Conditions:
FGFR3-related chondrodysplasia. Identifiers: Orphanet 93420, MedGen C5681604, MONDO:0019685.
Thanatophoric dysplasia type 1 (TD1). Also called: Thanatophoric Dysplasia Type 1 (TD Type 1); LETHAL SHORT-LIMBED PLATYSPONDYLIC DWARFISM, SAN DIEGO TYPE; PLATYSPONDYLIC LETHAL SKELETAL DYSPLASIA, SAN DIEGO TYPE. Identifiers: Orphanet 1860, Orphanet 2655, MedGen C1868678, MONDO:0008546, OMIM 187600. Disease mechanism: gain of function.
Achondroplasia (ACH). Also called: Achondroplastic dwarfism. Identifiers: Orphanet 15, MedGen C0001080, MONDO:0007037, OMIM 100800. Disease mechanism: gain of function.

gnomAD v4.1: 1 of 1,612,978 alleles (0.000062%); no homozygotes.

Submissions (5):

Genomenon, Inc
Classification: Pathogenic for FGFR3-related chondrodysplasia. Last evaluated: 2026-06-23. Review status: criteria provided, single submitter. Criteria: Genomenon Sequence Variant Interpretation Standards - Updated. Collection method: curation. Allele origin: germline. Affected: yes.
Comment: FGFR3 p.Gly375Cys (c.1123G>T) is a missense variant that changes the amino acid at codon 375 from Glycine to Cysteine. This variant has been observed in at least one proband with an FGFR3-related disorder (PMID:37076826;7758520;8599370). The variant was found to segregate with disease in at least one affected family (PMID:8599370). A de novo occurrence of this variant has been observed in at least one affected individual (PMID:37076826;7758520). At least one functional study has demonstrated a substantial alteration in protein function relative to the wild-type (PMID:12009017;10587515). This variant is located in a mutational hotspot and/or important functional domain. It is absent or not present at a significant frequency in gnomAD. In silico models predict that this variant is possibly or probably damaging. In conclusion, we classify FGFR3 p.Gly375Cys (c.1123G>T) as a pathogenic variant.

Dasa
Classification: Pathogenic for Achondroplasia. Last evaluated: 2024-12-20. Review status: criteria provided, single submitter. Criteria: DASA Assertion Criteria. Collection method: clinical testing. Allele origin: germline. Observed: 1 variant allele.
Comment: NM_000142.5(FGFR3):c.1123G>T (p.Gly375Cys) introduces a glycine-to-cysteine substitution affecting receptor function. Functional studies demonstrate a deleterious gain-of-function effect, and this variant has been reported in individuals with severe skeletal dysplasia. Based on the available data, this variant is classified as Pathogenic.

Dasa
Classification: Pathogenic for Thanatophoric dysplasia type 1. Last evaluated: 2024-12-20. Review status: criteria provided, single submitter. Criteria: DASA Assertion Criteria. Collection method: clinical testing. Allele origin: germline.
Comment: NM_000142.5(FGFR3):c.1123G>T (p.Gly375Cys) introduces a glycine-to-cysteine substitution affecting receptor function. Functional studies demonstrate a deleterious gain-of-function effect, and this variant has been reported in individuals with severe skeletal dysplasia. Based on the available data, this variant is classified as pathogenic.

Labcorp Genetics (formerly Invitae), Labcorp
Classification: Pathogenic. Last evaluated: 2023-04-03. Review status: criteria provided, single submitter. Criteria: Invitae Variant Classification Sherloc (09022015). Collection method: clinical testing. Allele origin: germline.
Comment: For these reasons, this variant has been classified as Pathogenic. Experimental studies have shown that this missense change affects FGFR3 function (PMID: 9857065, 22529939). Advanced modeling of protein sequence and biophysical properties (such as structural, functional, and spatial information, amino acid conservation, physicochemical variation, residue mobility, and thermodynamic stability) has been performed at Invitae for this missense variant, however the output from this modeling did not meet the statistical confidence thresholds required to predict the impact of this variant on FGFR3 protein function. ClinVar contains an entry for this variant (Variation ID: 16330). This missense change has been observed in individuals with clinical features of achondroplasia (PMID: 7649548, 7758520, 10893668). This variant is not present in population databases (gnomAD no frequency). This sequence change replaces glycine, which is neutral and non-polar, with cysteine, which is neutral and slightly polar, at codon 375 of the FGFR3 protein (p.Gly375Cys).

OMIM
Classification: Pathogenic for ACHONDROPLASIA. Last evaluated: 1999-12-01. Review status: no assertion criteria provided. Collection method: literature only. Allele origin: germline. Not counted in ClinVar's aggregate classification.

Literature cited by the submitters: PubMed 12009017 (cited by Genomenon, Inc); PubMed 10587515 (cited by 3 submitters); PubMed 37076826 (cited by Genomenon, Inc and Dasa); PubMed 7758520 (cited by 3 submitters); PubMed 8599370 (cited by Genomenon, Inc and OMIM); PubMed 14558035 (cited by Genomenon, Inc); PubMed 7649548 (cited by 4 submitters); PubMed 33511985 (cited by Genomenon, Inc); PubMed 33368972 (cited by Genomenon, Inc); PubMed 17920052 (cited by Genomenon, Inc); PubMed 27028100 (cited by Genomenon, Inc); PubMed 26273516 (cited by Genomenon, Inc); PubMed 9438390 (cited by Genomenon, Inc); PubMed 10670894 (cited by Genomenon, Inc); PubMed 10861287 (cited by Genomenon, Inc); PubMed 11406607 (cited by Genomenon, Inc); PubMed 11426459 (cited by Genomenon, Inc); PubMed 16253490 (cited by Genomenon, Inc); PubMed 17630040 (cited by Genomenon, Inc); PubMed 18339367 (cited by Genomenon, Inc); PubMed 25114206 (cited by Genomenon, Inc); PubMed 21536014 (cited by Genomenon, Inc); PubMed 10053006 (cited by Genomenon, Inc); PubMed 9857065 (cited by Dasa and Labcorp Genetics (formerly Invitae), Labcorp); PubMed 22529939 (cited by Dasa and Labcorp Genetics (formerly Invitae), Labcorp); PubMed 10893668 (cited by Labcorp Genetics (formerly Invitae), Labcorp); Nishimura, G., Takada, F. Another observation of atypical radiologic findings in achondroplasia not due to a common mutation of the FGFR-3 gene: reply to Dr. Gorlin. (Letter) Am. J. Med. Genet. 70: 203-205, 1997. (cited by OMIM).